The following is an entry in ClinVar:

NM_177438.3(DICER1):c.2899A>G (p.Thr967Ala)

Gene: DICER1 (dicer 1, ribonuclease III; minus strand). Cytogenetic location: 14q32.13.
Variant type: single nucleotide variant.
Coding change: c.2899A>G on transcript NM_177438.3 (MANE Select); coding-DNA position 2899, A replaced by G.
Protein change: p.Thr967Ala; replaces threonine 967 with alanine.
Molecular consequence: missense variant. On other transcripts: non-coding transcript variant (6).
Genome position (GRCh38, 1-based): chr14:95,106,129, T>C on the plus strand (A>G on the coding strand, the complement: DICER1 is on the minus strand). VCF-style: chr14-95106129-T-C. GRCh37 (hg19) VCF-style: chr14-95572466-T-C.
Other names: c.2899A>G, p.Thr967Ala (NM_001395677.1, NM_001395678.1, NM_001395679.1 and 13 more transcripts); c.2617A>G, p.Thr873Ala (NM_001395686.1); c.2494A>G, p.Thr832Ala (NM_001395687.1, NM_001395688.1, NM_001395689.1 and 2 more transcripts); c.2332A>G, p.Thr778Ala (NM_001395691.1); c.1216A>G, p.Thr406Ala (NM_001395697.1); short protein forms T406A, T778A, T832A, T873A, T967A.
Identifiers: ClinVar variation 3229350 (VCV003229350.1), dbSNP rs2542787808, ClinGen allele CA390878999.

ClinVar aggregate classification (germline): Uncertain significance (1 of 4 stars; one submission).

Conditions:
Hereditary cancer-predisposing syndrome. Also called: Neoplastic Syndromes, Hereditary; Tumor predisposition; Hereditary neoplastic syndrome; Hereditary Cancer Syndrome. Identifiers: Orphanet 140162, MedGen C0027672, MeSH D009386, MONDO:0015356.

Submission:

Ambry Genetics
Classification: Uncertain significance for Hereditary cancer-predisposing syndrome. Last evaluated: 2023-09-27. Review status: criteria provided, single submitter. Criteria: Ambry Variant Classification Scheme 2023. Collection method: clinical testing. Allele origin: germline.
Comment: The p.T967A variant (also known as c.2899A>G), located in coding exon 17 of the DICER1 gene, results from an A to G substitution at nucleotide position 2899. The threonine at codon 967 is replaced by alanine, an amino acid with similar properties. This amino acid position is conserved. In addition, the in silico prediction for this alteration is inconclusive. Since supporting evidence is limited at this time, the clinical significance of this alteration remains unclear.